The following is an entry in ClinVar:

ClinVar aggregate classification (germline): Likely benign. Review status: criteria provided, multiple submitters, no conflicts (2 of 4 stars). 3 submissions from 3 submitters: Likely benign (3). Last evaluated 2025-12-30.

Conditions:
Charcot-Marie-Tooth disease axonal type 2O. Also called: CHARCOT-MARIE-TOOTH NEUROPATHY, AXONAL, TYPE 2O; CHARCOT-MARIE-TOOTH DISEASE, AXONAL, AUTOSOMAL DOMINANT, TYPE 2O; Charcot-Marie-Tooth Neuropathy Type 2O; Charcot-Marie-Tooth disease, axonal, type 20. Identifiers: Orphanet 284232, MedGen C3280220, MONDO:0013644, OMIM 614228.

Allele frequency attached by ClinVar (database versions not stated): TOPMed below 0.00001; ExAC 0.00001; gnomAD 0.00001; gnomAD exomes 0.00001.
gnomAD v4.1: 12 of 1,613,976 alleles (0.00074%); highest among the groups gnomAD compares: East Asian, 0.0022%; no homozygotes.

Submissions (3):

Women's Health and Genetics/Laboratory Corporation of America, LabCorp
Classification: Likely benign. Last evaluated: 2025-12-30. Review status: criteria provided, single submitter. Criteria: LabCorp Variant Classification Summary - May 2015. Collection method: clinical testing. Allele origin: germline.

CeGaT Center for Human Genetics Tuebingen
Classification: Likely benign. Last evaluated: 2025-02-01. Review status: criteria provided, single submitter. Criteria: CeGaT Center For Human Genetics Tuebingen Variant Classification Criteria Version 2. Collection method: clinical testing. Allele origin: germline. Affected: yes. Observed: 1 variant allele.
Comment: DYNC1H1: BP4, BP7

Labcorp Genetics (formerly Invitae), Labcorp
Classification: Likely benign for Charcot-Marie-Tooth disease axonal type 2O. Last evaluated: 2024-09-28. Review status: criteria provided, single submitter. Criteria: Invitae Variant Classification Sherloc (09022015). Collection method: clinical testing. Allele origin: germline.

NM_001376.5(DYNC1H1):c.8244C>T (p.Tyr2748=)

Gene: DYNC1H1 (dynein cytoplasmic 1 heavy chain 1; plus strand). Cytogenetic location: 14q32.31.
Variant type: single nucleotide variant.
Coding change: c.8244C>T on transcript NM_001376.5 (MANE Select); coding-DNA position 8244, C replaced by T.
Protein change: p.Tyr2748=; no amino-acid change (tyrosine 2748 retained).
Molecular consequence: synonymous variant.
Genome position (GRCh38, 1-based): chr14:102,018,517, C>T. VCF-style: chr14-102018517-C-T. GRCh37 (hg19) VCF-style: chr14-102484854-C-T.
Identifiers: ClinVar variation 1603024 (VCV001603024.22), dbSNP rs766829421, ClinGen allele CA7352980.